The following is an entry in ClinVar:

NM_003128.3(SPTBN1):c.3496T>C (p.Ser1166Pro)

Gene: SPTBN1 (spectrin beta, non-erythrocytic 1; plus strand). Cytogenetic location: 2p16.2.
Variant type: single nucleotide variant.
Coding change: c.3496T>C on transcript NM_003128.3 (MANE Select); coding-DNA position 3496, T replaced by C.
Protein change: p.Ser1166Pro; replaces serine 1166 with proline.
Molecular consequence: missense variant.
Genome position (GRCh38, 1-based): chr2:54,631,543, T>C. VCF-style: chr2-54631543-T-C. GRCh37 (hg19) VCF-style: chr2-54858680-T-C.
Other names: c.3457T>C, p.Ser1153Pro (NM_178313.3); short protein forms S1153P, S1166P.
Identifiers: ClinVar variation 1318239 (VCV001318239.2), dbSNP rs2103942205, ClinGen allele CA346891705.

ClinVar aggregate classification (germline): Uncertain significance (1 of 4 stars; one submission).

Submission:

GeneDx
Classification: Uncertain significance. Last evaluated: 2021-04-19. Review status: criteria provided, single submitter. Criteria: GeneDx Variant Classification Process June 2021. Collection method: clinical testing. Allele origin: germline. Affected: yes.
Comment: Not observed in large population cohorts (Lek et al., 2016); In silico analysis supports that this missense variant has a deleterious effect on protein structure/function; Has not been previously published as pathogenic or benign to our knowledge; Variants in candidate genes are classified as variants of uncertain significance in accordance with ACMG guidelines (Richards et al., 2015)